The following is an entry in ClinVar:

ClinVar aggregate classification (germline): Uncertain significance (1 of 4 stars; one submission).

Conditions:
Hereditary breast ovarian cancer syndrome. Also called: Hereditary breast and ovarian cancer syndrome (HBOC); Breast and ovarian cancer; BRCA1- and BRCA2-Associated Hereditary Breast and Ovarian Cancer; Hereditary breast and ovarian cancer syndrome; Hereditary breast and ovarian cancer; Hereditary breast and/or ovarian cancer syndrome. Identifiers: Orphanet 145, MedGen C0677776, MeSH D061325, MONDO:0003582. Disease mechanism: loss of function.

Submission:

Labcorp Genetics (formerly Invitae), Labcorp
Classification: Uncertain significance for Hereditary breast ovarian cancer syndrome. Last evaluated: 2023-03-17. Review status: criteria provided, single submitter. Criteria: Invitae Variant Classification Sherloc (09022015). Collection method: clinical testing. Allele origin: germline.
Comment: In summary, the available evidence is currently insufficient to determine the role of this variant in disease. Therefore, it has been classified as a Variant of Uncertain Significance. Advanced modeling of protein sequence and biophysical properties (such as structural, functional, and spatial information, amino acid conservation, physicochemical variation, residue mobility, and thermodynamic stability) performed at Invitae indicates that this missense variant is not expected to disrupt BRCA1 protein function. This variant has not been reported in the literature in individuals affected with BRCA1-related conditions. This variant is not present in population databases (gnomAD no frequency). This sequence change replaces glutamic acid, which is acidic and polar, with alanine, which is neutral and non-polar, at codon 1046 of the BRCA1 protein (p.Glu1046Ala).

NM_007294.4(BRCA1):c.3137A>C (p.Glu1046Ala)

Gene: BRCA1 (BRCA1 DNA repair associated; minus strand). Cytogenetic location: 17q21.31.
Variant type: single nucleotide variant.
Coding change: c.3137A>C on transcript NM_007294.4 (MANE Select); coding-DNA position 3137, A replaced by C.
Protein change: p.Glu1046Ala; replaces glutamic acid 1046 with alanine.
Molecular consequence: missense variant. On other transcripts: intron variant (137).
Genome position (GRCh38, 1-based): chr17:43,092,394, T>G on the plus strand (A>C on the coding strand, the complement: BRCA1 is on the minus strand). VCF-style: chr17-43092394-T-G. GRCh37 (hg19) VCF-style: chr17-41244411-T-G.
Other names: c.3011A>C, p.Glu1004Ala (NM_001407671.1, NM_001407672.1, NM_001407673.1 and 11 more transcripts); c.3014A>C, p.Glu1005Ala (NM_001407674.1, NM_001407675.1, NM_001407676.1 and 19 more transcripts); c.3137A>C, p.Glu1046Ala (NM_001407684.1, NM_001407854.1, NM_001407858.1 and 30 more transcripts); c.2996A>C, p.Glu999Ala (NM_001407692.1, NM_001407694.1, NM_001407695.1 and 29 more transcripts); c.2993A>C, p.Glu998Ala (NM_001407740.1, NM_001407741.1, NM_001407742.1 and 20 more transcripts); c.2924A>C, p.Glu975Ala (NM_001407853.1, NM_001407894.1, NM_001407895.1 and 9 more transcripts); c.3134A>C, p.Glu1045Ala (NM_001407860.1, NM_001407861.1, NM_001407587.1 and 22 more transcripts); c.2936A>C, p.Glu979Ala (NM_001407862.1); and 41 more; short protein forms E1005A, E878A, E935A, E998A, E1020A, E1045A, E918A, E919A.
Identifiers: ClinVar variation 2846744 (VCV002846744.3), dbSNP rs2154340676, ClinGen allele CA10595708.